The following is an entry in ClinVar:

ClinVar aggregate classification (germline): Uncertain significance. Review status: criteria provided, multiple submitters, no conflicts (2 of 4 stars). 2 submissions from 2 submitters: Uncertain significance (2). Last evaluated 2026-02-25.

Conditions:
Autosomal recessive limb-girdle muscular dystrophy type 2Y (MRRSDC). Also called: Muscular dystrophy, limb-girdle, type 2y; Muscular dystrophy, autosomal recessive, with rigid spine and distal joint contractures. Identifiers: Orphanet 424261, MedGen C4511482, MONDO:0014900, OMIM 617072.
Inborn genetic diseases. Identifiers: MedGen C0950123, MeSH D030342.

Submissions (2):

Ambry Genetics
Classification: Uncertain significance for Inborn genetic diseases. Last evaluated: 2026-02-25. Review status: criteria provided, single submitter. Criteria: Ambry Variant Classification Scheme 2023. Collection method: clinical testing. Allele origin: germline.

Labcorp Genetics (formerly Invitae), Labcorp
Classification: Uncertain significance for Autosomal recessive limb-girdle muscular dystrophy type 2Y. Last evaluated: 2023-10-03. Review status: criteria provided, single submitter. Criteria: Invitae Variant Classification Sherloc (09022015). Collection method: clinical testing. Allele origin: germline.
Comment: This sequence change replaces alanine, which is neutral and non-polar, with glutamic acid, which is acidic and polar, at codon 10 of the TOR1AIP1 protein (p.Ala10Glu). The frequency data for this variant in the population databases is considered unreliable, as metrics indicate poor data quality at this position in the gnomAD database. This variant has not been reported in the literature in individuals affected with TOR1AIP1-related conditions. ClinVar contains an entry for this variant (Variation ID: 970339). An algorithm developed to predict the effect of missense changes on protein structure and function (PolyPhen-2) suggests that this variant is likely to be tolerated. In summary, the available evidence is currently insufficient to determine the role of this variant in disease. Therefore, it has been classified as a Variant of Uncertain Significance.

NM_015602.4(TOR1AIP1):c.29C>A (p.Ala10Glu)

Genes: TOR1AIP1 (torsin 1A interacting protein 1; plus strand), LOC112577517 (Sharpr-MPRA regulatory region 13766; plus strand). Cytogenetic location: 1q25.2.
Variant type: single nucleotide variant.
Coding change: c.29C>A on transcript NM_015602.4 (MANE Select); coding-DNA position 29, C replaced by A.
Protein change: p.Ala10Glu; replaces alanine 10 with glutamic acid.
Molecular consequence: missense variant.
Genome position (GRCh38, 1-based): chr1:179,882,531, C>A. VCF-style: chr1-179882531-C-A. GRCh37 (hg19) VCF-style: chr1-179851666-C-A.
Other names: c.29C>A, p.Ala10Glu (NM_001267578.2); c.29C>A (NM_015602.2); short protein forms A10E.
Identifiers: ClinVar variation 970339 (VCV000970339.8), dbSNP rs1304415641, ClinGen allele CA343577514.